The following is an entry in ClinVar:

ClinVar aggregate classification (germline): Uncertain significance (1 of 4 stars; one submission).

Conditions:
Hereditary cancer-predisposing syndrome. Also called: Hereditary Cancer Syndrome; Hereditary neoplastic syndrome; Neoplastic Syndromes, Hereditary; Tumor predisposition. Identifiers: Orphanet 140162, MedGen C0027672, MeSH D009386, MONDO:0015356.

Submission:

Ambry Genetics
Classification: Uncertain significance for Hereditary cancer-predisposing syndrome. Last evaluated: 2025-03-21. Review status: criteria provided, single submitter. Criteria: Ambry Variant Classification Scheme 2023. Collection method: clinical testing. Allele origin: germline.
Comment: The p.V155L variant (also known as c.463G>C), located in coding exon 5 of the BMPR1A gene, results from a G to C substitution at nucleotide position 463. The valine at codon 155 is replaced by leucine, an amino acid with highly similar properties. This amino acid position is not well conserved in available vertebrate species. In addition, this alteration is predicted to be tolerated by in silico analysis. Based on the available evidence, the clinical significance of this variant remains unclear.

NM_004329.3(BMPR1A):c.463G>C (p.Val155Leu)

Gene: BMPR1A (bone morphogenetic protein receptor type 1A; plus strand). Cytogenetic location: 10q23.2.
Variant type: single nucleotide variant.
Coding change: c.463G>C on transcript NM_004329.3 (MANE Select); coding-DNA position 463, G replaced by C.
Protein change: p.Val155Leu; replaces valine 155 with leucine.
Molecular consequence: missense variant.
Genome position (GRCh38, 1-based): chr10:86,900,059, G>C. VCF-style: chr10-86900059-G-C. GRCh37 (hg19) VCF-style: chr10-88659816-G-C.
Other names: c.463G>C, p.Val155Leu (NM_001406559.1, NM_001406560.1, NM_001406561.1 and 22 more transcripts); c.379G>C, p.Val127Leu (NM_001406584.1, NM_001406585.1, NM_001406586.1 and 2 more transcripts); short protein forms V155L, V127L.
Identifiers: ClinVar variation 1742093 (VCV001742093.3), dbSNP rs1589768221, ClinGen allele CA377450308.